The following is an entry in ClinVar:

NM_000038.6(APC):c.2414G>C (p.Arg805Pro)

Gene: APC (APC regulator of Wnt signaling pathway; plus strand). Cytogenetic location: 5q22.2.
Variant type: single nucleotide variant.
Coding change: c.2414G>C on transcript NM_000038.6 (MANE Select); coding-DNA position 2414, G replaced by C.
Protein change: p.Arg805Pro; replaces arginine 805 with proline.
Molecular consequence: missense variant. On other transcripts: non-coding transcript variant (2).
Genome position (GRCh38, 1-based): chr5:112,838,008, G>C. VCF-style: chr5-112838008-G-C. GRCh37 (hg19) VCF-style: chr5-112173705-G-C.
Other names: c.2414G>C, p.Arg805Pro (NM_001127510.3, NM_001354895.2, NM_001407450.1); c.2360G>C, p.Arg787Pro (NM_001127511.3); c.2468G>C, p.Arg823Pro (NM_001354896.2, NM_001407447.1, NM_001407448.1 and 1 more transcripts); c.2444G>C, p.Arg815Pro (NM_001354897.2); c.2339G>C, p.Arg780Pro (NM_001354898.2); c.2330G>C, p.Arg777Pro (NM_001354899.2); c.2291G>C, p.Arg764Pro (NM_001354900.2); c.2237G>C, p.Arg746Pro (NM_001354901.2, NM_001407453.1); and 11 more; short protein forms R522P, R645P, R714P, R815P, R823P, R833P, R421P, R679P.
Identifiers: ClinVar variation 2774836 (VCV002774836.2), dbSNP rs200593940, ClinGen allele CA16026633.

ClinVar aggregate classification (germline): Uncertain significance (1 of 4 stars; one submission).

Conditions:
Hereditary cancer-predisposing syndrome. Also called: Neoplastic Syndromes, Hereditary; Tumor predisposition; Hereditary Cancer Syndrome; Hereditary neoplastic syndrome. Identifiers: Orphanet 140162, MedGen C0027672, MeSH D009386, MONDO:0015356.

Submission:

Color Diagnostics, LLC DBA Color Health
Classification: Uncertain significance for Hereditary cancer-predisposing syndrome. Last evaluated: 2023-02-20. Review status: criteria provided, single submitter. Criteria: ACMG Guidelines, 2015. Collection method: clinical testing. Allele origin: germline.
Comment: This missense variant replaces arginine with proline at codon 805 of the APC protein. Computational prediction suggests that this variant may not impact protein structure and function (internally defined REVEL score threshold <= 0.5, PMID: 27666373). To our knowledge, functional studies have not been reported for this variant. This variant has not been reported in individuals affected with APC-related disorders in the literature. This variant has not been identified in the general population by the Genome Aggregation Database (gnomAD). The available evidence is insufficient to determine the role of this variant in disease conclusively. Therefore, this variant is classified as a Variant of Uncertain Significance.